The following is an entry in ClinVar:

ClinVar aggregate classification (germline): Benign/Likely benign. Review status: criteria provided, multiple submitters, no conflicts (2 of 4 stars). 3 submissions from 3 submitters: Benign (2); Likely benign (1). Last evaluated 2026-01-05.

Allele frequency attached by ClinVar (database versions not stated): gnomAD exomes 0.00013 and 0.00024; ExAC 0.00031; 1000 Genomes Project 0.00100; gnomAD 0.00109 and 0.00122; 1000 Genomes Project 30x 0.00125; TOPMed 0.00140; ESP Exome Variant Server 0.00154.
gnomAD v4.1: 359 of 1,613,934 alleles (0.022%); highest among the groups gnomAD compares: African/African-American, 0.44%; 1 homozygote.

Submissions (3):

Labcorp Genetics (formerly Invitae), Labcorp
Classification: Benign. Last evaluated: 2026-01-05. Review status: criteria provided, single submitter. Criteria: Invitae Variant Classification Sherloc (09022015). Collection method: clinical testing. Allele origin: germline.

CeGaT Center for Human Genetics Tuebingen
Classification: Likely benign. Last evaluated: 2022-08-01. Review status: criteria provided, single submitter. Criteria: CeGaT Center For Human Genetics Tuebingen Variant Classification Criteria Version 2. Collection method: clinical testing. Allele origin: germline. Affected: yes. Observed: 1 variant allele.
Comment: KMT2B: BP7, BS1

GeneDx
Classification: Benign. Last evaluated: 2021-09-03. Review status: criteria provided, single submitter. Criteria: GeneDx Variant Classification Process June 2021. Collection method: clinical testing. Allele origin: germline. Affected: yes.

NM_014727.3(KMT2B):c.7185G>A (p.Glu2395=)

Gene: KMT2B (lysine methyltransferase 2B; plus strand). Cytogenetic location: 19q13.12.
Variant type: single nucleotide variant.
Coding change: c.7185G>A on transcript NM_014727.3 (MANE Select); coding-DNA position 7185, G replaced by A.
Protein change: p.Glu2395=; no amino-acid change (glutamic acid 2395 retained).
Molecular consequence: synonymous variant.
Genome position (GRCh38, 1-based): chr19:35,736,715, G>A. VCF-style: chr19-35736715-G-A. GRCh37 (hg19) VCF-style: chr19-36227616-G-A.
Identifiers: ClinVar variation 734945 (VCV000734945.35), dbSNP rs138094783, ClinGen allele CA9385889.